The following is an entry in ClinVar:

NM_000059.4(BRCA2):c.572delinsCT (p.Asp191fs)

Gene: BRCA2 (BRCA2 DNA repair associated; plus strand). Cytogenetic location: 13q13.1.
Variant type: Indel.
Coding change: c.572delinsCT on transcript NM_000059.4 (MANE Select); coding-DNA position 572, A replaced by CT.
Protein change: p.Asp191fs; shifts the reading frame from aspartic acid 191.
Molecular consequence: frameshift variant.
Genome position (GRCh38, 1-based): chr13:32,326,554, A replaced by CT. VCF-style: chr13-32326554-A-CT. GRCh37 (hg19) VCF-style: chr13-32900691-A-CT.
Other names: c.572delAinsCT (NM_000059.3); short protein forms D191fs.
Identifiers: ClinVar variation 51922 (VCV000051922.5), dbSNP rs397507799, ClinGen allele CA325901.

ClinVar aggregate classification (germline): Pathogenic. Review status: reviewed by expert panel (3 of 4 stars). 2 submissions from 2 submitters: Pathogenic (1). 1 of the submissions does not count toward it. Last evaluated 2016-09-08.

Conditions:
Breast-ovarian cancer, familial, susceptibility to, 2 (BROVCA2). Also called: BRCA2 Hereditary Breast and Ovarian Cancer. Identifiers: Orphanet 145, MedGen C2675520, MONDO:0012933, OMIM 612555. Disease mechanism: loss of function.

Submissions (2):

Evidence-based Network for the Interpretation of Germline Mutant Alleles (ENIGMA)
Classification: Pathogenic for Breast-ovarian cancer, familial, susceptibility to, 2. Last evaluated: 2016-09-08. Review status: reviewed by expert panel. Criteria: ENIGMA BRCA1/2 Classification Criteria (2015). Collection method: curation. Allele origin: germline.
Comment: Variant allele predicted to encode a truncated non-functional protein.

Consortium of Investigators of Modifiers of BRCA1/2 (CIMBA), c/o University of Cambridge
Classification: Pathogenic for Breast-ovarian cancer, familial, susceptibility to, 2. Last evaluated: 2015-10-02. Review status: criteria provided, single submitter. Criteria: CIMBA Mutation Classification guidelines May 2016. Collection method: clinical testing. Allele origin: germline. Not counted in ClinVar's aggregate classification.